The following is an entry in ClinVar:

NM_001845.6(COL4A1):c.2086G>A (p.Gly696Ser)

Gene: COL4A1 (collagen type IV alpha 1 chain; minus strand). Cytogenetic location: 13q34.
Variant type: single nucleotide variant.
Coding change: c.2086G>A on transcript NM_001845.6 (MANE Select); coding-DNA position 2086, G replaced by A.
Protein change: p.Gly696Ser; replaces glycine 696 with serine.
Molecular consequence: missense variant.
Genome position (GRCh38, 1-based): chr13:110,183,002, C>T on the plus strand (G>A on the coding strand, the complement: COL4A1 is on the minus strand). VCF-style: chr13-110183002-C-T. GRCh37 (hg19) VCF-style: chr13-110835349-C-T.
Other names: short protein forms G696S.
Identifiers: ClinVar variation 135653 (VCV000135653.21), dbSNP rs587780588, ClinGen allele CA269925.
Genomic context (GRCh38, chr13:110,183,002, plus strand): 5'-TCACAGAAGTCACAGGTGGACCAAAGGCTCGGGTCCGTCTGGCAGGGTTACCTTTGGGGC[C>T]GGGGGGCCCTGGAAATCCAATGCCTGGCTGGCCCACAGCGCCCTTCTCTCCTGGCAGGCC-3'
Protein context (NP_001836.3, residues 686-706): QPGIGFPGPP[Gly696Ser]PKGVDGLPGD

ClinVar aggregate classification (germline): Pathogenic. Review status: criteria provided, multiple submitters, no conflicts (2 of 4 stars). 9 submissions from 9 submitters: Pathogenic (6). 3 of the submissions do not count toward it. Last evaluated 2025-07-11.

Conditions:
COL4A1-related disorder. Also called: COL4A1-related disorders; COL4A1-related condition. Identifiers: MedGen CN376119, MONDO:0800461.
Brain small vessel disease 1 with or without ocular anomalies (BSVD1). Also called: PORENCEPHALY, TYPE 1, AUTOSOMAL DOMINANT; Brain small vessel disease with or without ocular anomalies; BRAIN SMALL VESSEL DISEASE WITH HEMORRHAGE; GOULD SYNDROME 1. Identifiers: Orphanet 2940, Orphanet 36383, Orphanet 99810, MedGen C4755307, MONDO:0008289, OMIM 175780.
Hemorrhage, intracerebral, susceptibility to (ICH). Also called: Stroke, hemorrhagic, susceptibility to. Identifiers: MedGen C3281105, MONDO:0100533, OMIM 614519.
Retinal arterial tortuosity. Also called: RETINAL HEMORRHAGE WITH VASCULAR TORTUOSITY; Retinal arteries, tortuosity of. Identifiers: Orphanet 75326, MedGen C0423401, MONDO:0008373, OMIM 180000, HP:0000631.
Intracranial hemorrhage. Also called: Intracranial bleed; Intracranial Hemorrhages. Identifiers: MedGen C0151699, HP:0002170, MONDO:0005049.
Cerebral calcification. Also called: Cerebral calcifications. Identifiers: MedGen C0270685, HP:0002514.
Abnormal corpus callosum morphology. Also called: Abnormality of the corpus callosum; Corpus callosum abnormalities. Identifiers: MedGen C1842581, HP:0001273.
Intraventricular hemorrhage. Identifiers: MedGen C0240059, HP:0030746.

Submissions (9):

3billion
Classification: Pathogenic for Brain small vessel disease 1 with or without ocular anomalies. Last evaluated: 2025-07-11. Review status: criteria provided, single submitter. Criteria: ACMG Guidelines, 2015. Collection method: clinical testing. Allele origin: germline. Affected: yes.
Comment: The variant is not observed in the gnomAD v4.1.0 dataset. Predicted Consequence/Location: Missense variant In silico tool predictions suggest damaging effect of the variant on gene or gene product [REVEL: 0.92 (>=0.6, sensitivity 0.68 and specificity 0.92)]. The same nucleotide change resulting in the same amino acid change has been previously reported as pathogenic/likely pathogenic with strong evidence (ClinVar ID: VCV000135653 /PMID: 26362372). The variant has been observed in at least two similarly affected unrelated individuals (PMID: 26362372, 31857254, 32033901). A different missense change at the same codon (p.Gly696Cys) has been reported to be associated with COL4A1-related disorder (PMID: 30413629). Therefore, this variant is classified as Pathogenic according to the recommendation of ACMG/AMP guideline.

GeneDx
Classification: Pathogenic. Last evaluated: 2024-11-07. Review status: criteria provided, single submitter. Criteria: GeneDx Variant Classification Process June 2021. Collection method: clinical testing. Allele origin: germline. Affected: yes.
Comment: Not observed at significant frequency in large population cohorts (gnomAD); Affects a glycine residue in a Gly-X-Y motif in the triple helical region of the COL4A1 gene, where the majority of pathogenic missense variants occur, and is predicted to disrupt normal protein folding and function (PMIDs 22522439 23225343); In silico analysis supports that this missense variant has a deleterious effect on protein structure/function; This variant is associated with the following publications: (PMID: 33057194, 35982159, 35229910, 32033901, 31857254, 22522439, 23225343, 26362372)

Blueprint Genetics
Classification: Pathogenic for COL4A1-related disorders. Last evaluated: 2023-07-28. Review status: criteria provided, single submitter. Criteria: ACMG Guidelines, 2015. Collection method: clinical testing. Allele origin: germline. Affected: yes. Observed: 1 variant allele.

Labcorp Genetics (formerly Invitae), Labcorp
Classification: Pathogenic. Last evaluated: 2022-12-20. Review status: criteria provided, single submitter. Criteria: Invitae Variant Classification Sherloc (09022015). Collection method: clinical testing. Allele origin: germline.
Comment: This sequence change replaces glycine, which is neutral and non-polar, with serine, which is neutral and polar, at codon 696 of the COL4A1 protein (p.Gly696Ser). This variant is not present in population databases (gnomAD no frequency). This missense change has been observed in individual(s) with COL4A1-related conditions (PMID: 26362372, 31857254, 32033901). In at least one individual the variant was observed to be de novo. ClinVar contains an entry for this variant (Variation ID: 135653). Algorithms developed to predict the effect of missense changes on protein structure and function are either unavailable or do not agree on the potential impact of this missense change (SIFT: "Deleterious"; PolyPhen-2: "Benign"; Align-GVGD: "Class C0"). This variant disrupts the triple helix domain of COL4A1. Glycine residues within the Gly-Xaa-Yaa repeats of the triple helix domain are required for the structure and stability of fibrillar collagens (PMID: 7695699, 8218237, 19344236). In COL4A1 variants affecting these glycine residues are significantly enriched in individuals with disease (PMID: 9016532, 17078022) compared to the general population (ExAC). For these reasons, this variant has been classified as Pathogenic.

Genetics Institute, Tel Aviv Sourasky Medical Center
Classification: Pathogenic for Intraventricular hemorrhage; Abnormal corpus callosum morphology. Last evaluated: 2021-05-12. Review status: criteria provided, single submitter. Criteria: ACMG Guidelines, 2015. Collection method: clinical testing. Allele origin: de novo. Inheritance: Autosomal dominant inheritance.

Baylor Genetics
Classification: Pathogenic for Brain small vessel disease 1 with or without ocular anomalies. Last evaluated: 2019-08-23. Review status: criteria provided, single submitter. Criteria: ACMG Guidelines, 2015. Collection method: clinical testing. Allele origin: de novo. Affected: yes.
Comment: This variant was determined to be pathogenic according to ACMG Guidelines, 2015 [PMID:25741868].

Department of Pediatrics, Graduate School of Medical Sciences, Kyushu University
Classification: Likely pathogenic for Cerebral calcification; Intracranial hemorrhage. Last evaluated: 2019-04-17. Review status: no assertion criteria provided. Collection method: curation. Allele origin: de novo. Inheritance: Autosomal dominant inheritance. Affected: no. Observed: 1 variant allele, 1 heterozygote. Not counted in ClinVar's aggregate classification.
Comment: The identical mutation has been reported to cause late-onset intracranial hemorrhage. Congenital calcification and T2 high-intensity lesions in the cerebral white matter are compatible to the MRI features of previously reported cases.

Mendelics
Classification: Likely pathogenic for Brain small vessel disease with hemorrhage. Last evaluated: 2013-02-08. Review status: no assertion criteria provided. Collection method: clinical testing. Allele origin: de novo. Affected: yes. Not counted in ClinVar's aggregate classification.

Department of Neurology, The First Affiliated Hospital of Fujian Medical University
Classification: Likely pathogenic for Hemorrhage, intracerebral, susceptibility to; Brain small vessel disease 1 with or without ocular anomalies; Retinal arterial tortuosity. Review status: no assertion criteria provided. Collection method: research. Allele origin: unknown. Inheritance: Autosomal dominant inheritance. Affected: yes. Not counted in ClinVar's aggregate classification.
Comment: The pathogenicity of c.2086G>A (p.Gly696Ser) is consistently supported by multi-platform bioinformatics analyses, including MutationTaster, CADD, and PolyPhen-2. Additionally, it was confirmed to have a variant frequency of 0 in population genomic databases such as gnomAD and ExAC.ACMG criteria suggests likely pathogenic(PM1+PM2+PP3+PP4)

Literature cited by the submitters: PubMed 30413629 (cited by 3billion); PubMed 32033901 (cited by 3billion and Labcorp Genetics (formerly Invitae), Labcorp); PubMed 26362372 (cited by 3billion and Labcorp Genetics (formerly Invitae), Labcorp); PubMed 31857254 (cited by 3billion and Labcorp Genetics (formerly Invitae), Labcorp); PubMed 7695699 (cited by Labcorp Genetics (formerly Invitae), Labcorp); PubMed 8218237 (cited by Labcorp Genetics (formerly Invitae), Labcorp); PubMed 19344236 (cited by Labcorp Genetics (formerly Invitae), Labcorp); PubMed 9016532 (cited by Labcorp Genetics (formerly Invitae), Labcorp); PubMed 17078022 (cited by Labcorp Genetics (formerly Invitae), Labcorp); PubMed 22102590 (cited by Mendelics); PubMed 16598045 (cited by Mendelics); PubMed 17938367 (cited by Mendelics); DOI 10.1016/j.jStrokecerebrovasdis.2020.104652 (cited by Department of Neurology, The First Affiliated Hospital of Fujian Medical University); DOI 10.1016/j.seizure.2015.06.014 (cited by Department of Neurology, The First Affiliated Hospital of Fujian Medical University).